The following is an entry in ClinVar:

ClinVar aggregate classification (germline): Likely benign (1 of 4 stars; one submission).

Allele frequency attached by ClinVar (database versions not stated): 1000 Genomes Project 30x 0.00250; TOPMed 0.00540; gnomAD 0.00601.
gnomAD v4.1: 14,110 of 1,614,220 alleles (0.87%); highest among the groups gnomAD compares: Non-Finnish European, 1.1%; 76 homozygotes.

Submission:

CeGaT Center for Human Genetics Tuebingen
Classification: Likely benign. Last evaluated: 2022-03-01. Review status: criteria provided, single submitter. Criteria: CeGaT Center For Human Genetics Tuebingen Variant Classification Criteria Version 2. Collection method: clinical testing. Allele origin: germline. Affected: yes. Observed: 1 variant allele.
Comment: PCDHA6: BP4, BP7

NM_018909.4(PCDHA6):c.708T>C (p.Asn236=)

Genes: PCDHA1 (protocadherin alpha 1; plus strand), PCDHA2 (protocadherin alpha 2; plus strand), PCDHA3 (protocadherin alpha 3; plus strand), PCDHA4 (protocadherin alpha 4; plus strand), PCDHA5 (protocadherin alpha 5; plus strand) and 2 more. Cytogenetic location: 5q31.3.
Variant type: single nucleotide variant.
Coding change: c.708T>C on transcript NM_018909.4 (MANE Select); coding-DNA position 708, T replaced by C.
Protein change: p.Asn236=; no amino-acid change (asparagine 236 retained).
Molecular consequence: synonymous variant. On other transcripts: intron variant (6).
Genome position (GRCh38, 1-based): chr5:140,828,799, T>C. VCF-style: chr5-140828799-T-C. GRCh37 (hg19) VCF-style: chr5-140208384-T-C.
Other names: c.708T>C, p.Asn236= (NM_031848.3, NM_031849.3); c.2394+40115T>C (NM_018900.4); c.1602+40907T>C (NM_031411.3); c.2388+31447T>C (NM_018905.3); c.2394+25208T>C (NM_018906.3); c.2385+19227T>C (NM_018907.4); c.2352+4672T>C (NM_018908.3).
Identifiers: ClinVar variation 2655758 (VCV002655758.22), dbSNP rs112419059, ClinGen allele CA3448270.